The following is an entry in ClinVar:

ClinVar aggregate classification (germline): Uncertain significance. Review status: criteria provided, multiple submitters, no conflicts (2 of 4 stars). 2 submissions from 2 submitters: Uncertain significance (2). Last evaluated 2025-04-01.

Conditions:
Inborn genetic diseases. Identifiers: MedGen C0950123, MeSH D030342.

Submissions (2):

Ambry Genetics
Classification: Uncertain significance for Inborn genetic diseases. Last evaluated: 2025-04-01. Review status: criteria provided, single submitter. Criteria: Ambry Variant Classification Scheme 2023. Collection method: clinical testing. Allele origin: germline.

Labcorp Genetics (formerly Invitae), Labcorp
Classification: Uncertain significance. Last evaluated: 2022-02-05. Review status: criteria provided, single submitter. Criteria: Invitae Variant Classification Sherloc (09022015). Collection method: clinical testing. Allele origin: germline.
Comment: This sequence change replaces proline, which is neutral and non-polar, with arginine, which is basic and polar, at codon 302 of the PCDH15 protein (p.Pro302Arg). This variant is not present in population databases (gnomAD no frequency). This variant has not been reported in the literature in individuals affected with PCDH15-related conditions. Algorithms developed to predict the effect of missense changes on protein structure and function are either unavailable or do not agree on the potential impact of this missense change (SIFT: "Tolerated"; PolyPhen-2: "Probably Damaging"; Align-GVGD: "Class C0"). In summary, the available evidence is currently insufficient to determine the role of this variant in disease. Therefore, it has been classified as a Variant of Uncertain Significance.

NM_001384140.1(PCDH15):c.905C>G (p.Pro302Arg)

Gene: PCDH15 (protocadherin related 15; minus strand). Cytogenetic location: 10q21.1.
Variant type: single nucleotide variant.
Coding change: c.905C>G on transcript NM_001384140.1 (MANE Select); coding-DNA position 905, C replaced by G.
Protein change: p.Pro302Arg; replaces proline 302 with arginine.
Molecular consequence: missense variant.
Genome position (GRCh38, 1-based): chr10:54,236,903, G>C on the plus strand (C>G on the coding strand, the complement: PCDH15 is on the minus strand). VCF-style: chr10-54236903-G-C. GRCh37 (hg19) VCF-style: chr10-55996663-G-C.
Other names: c.920C>G, p.Pro307Arg (NM_001142763.2, NM_001142769.4, NM_001142771.2); c.905C>G, p.Pro302Arg (NM_001142764.2, NM_001142765.2, NM_001142766.2 and 7 more transcripts); c.794C>G, p.Pro265Arg (NM_001142767.2); c.839C>G, p.Pro280Arg (NM_001142768.2, NM_001142773.2, NM_001354404.2); short protein forms P302R, P265R, P307R, P280R.
Identifiers: ClinVar variation 1498249 (VCV001498249.9), dbSNP rs2134389343, ClinGen allele CA376528027.